The following is an entry in ClinVar:

NM_001886.3(CRYBA4):c.136T>C (p.Ser46Pro)

Gene: CRYBA4 (crystallin beta A4; plus strand). Cytogenetic location: 22q12.1.
Variant type: single nucleotide variant.
Coding change: c.136T>C on transcript NM_001886.3 (MANE Select); coding-DNA position 136, T replaced by C.
Protein change: p.Ser46Pro; replaces serine 46 with proline.
Molecular consequence: missense variant.
Genome position (GRCh38, 1-based): chr22:26,623,330, T>C. VCF-style: chr22-26623330-T-C. GRCh37 (hg19) VCF-style: chr22-27019294-T-C.
Other names: short protein forms S46P.
Identifiers: ClinVar variation 962636 (VCV000962636.10), dbSNP rs1929601316, ClinGen allele CA411037528.

ClinVar aggregate classification (germline): Uncertain significance (1 of 4 stars; one submission).

Conditions:
Cataract 23 (CTRCT23). Also called: Cataract 23, multiple types; CATARACT 23, LAMELLAR. Identifiers: Orphanet 91492, MedGen C3808012, MONDO:0012489, OMIM 610425.

Submission:

Labcorp Genetics (formerly Invitae), Labcorp
Classification: Uncertain significance for Cataract 23. Last evaluated: 2020-02-17. Review status: criteria provided, single submitter. Criteria: Invitae Variant Classification Sherloc (09022015). Collection method: clinical testing. Allele origin: germline.
Comment: This sequence change replaces serine with proline at codon 46 of the CRYBA4 protein (p.Ser46Pro). The serine residue is highly conserved and there is a moderate physicochemical difference between serine and proline. In summary, the available evidence is currently insufficient to determine the role of this variant in disease. Therefore, it has been classified as a Variant of Uncertain Significance. Algorithms developed to predict the effect of missense changes on protein structure and function (SIFT, PolyPhen-2, Align-GVGD) all suggest that this variant is likely to be disruptive, but these predictions have not been confirmed by published functional studies and their clinical significance is uncertain. This variant has not been reported in the literature in individuals with CRYBA4-related conditions. This variant is not present in population databases (ExAC no frequency).